The following is an entry in ClinVar:

NM_002103.5(GYS1):c.792C>T (p.Ile264=)

Gene: GYS1 (glycogen synthase 1; minus strand). Cytogenetic location: 19q13.33.
Variant type: single nucleotide variant.
Coding change: c.792C>T on transcript NM_002103.5 (MANE Select); coding-DNA position 792, C replaced by T.
Protein change: p.Ile264=; no amino-acid change (isoleucine 264 retained).
Molecular consequence: synonymous variant. On other transcripts: non-coding transcript variant (1).
Genome position (GRCh38, 1-based): chr19:48,985,492, G>A on the plus strand (C>T on the coding strand, the complement: GYS1 is on the minus strand). VCF-style: chr19-48985492-G-A. GRCh37 (hg19) VCF-style: chr19-49488749-G-A.
Other names: c.600C>T, p.Ile200= (NM_001161587.2).
Identifiers: ClinVar variation 387918 (VCV000387918.1), dbSNP rs1057522941, ClinGen allele CA16608285.

ClinVar aggregate classification (germline): Likely benign (1 of 4 stars; one submission).

Allele frequency attached by ClinVar (database versions not stated): gnomAD exomes below 0.00001.
gnomAD v4.1: 1 of 1,614,008 alleles (0.000062%); highest among the groups gnomAD compares: Non-Finnish European, 0.000085%; no homozygotes.

Submission:

GeneDx
Classification: Likely benign. Last evaluated: 2016-08-02. Review status: criteria provided, single submitter. Criteria: GeneDx Variant Classification (06012015). Collection method: clinical testing. Allele origin: germline. Affected: yes.
Comment: This variant is considered likely benign or benign based on one or more of the following criteria: it is a conservative change, it occurs at a poorly conserved position in the protein, it is predicted to be benign by multiple in silico algorithms, and/or has population frequency not consistent with disease.